The following is an entry in ClinVar:

NM_001029896.2(WDR45):c.256C>T (p.Arg86Trp)

Gene: WDR45 (WD repeat domain 45; minus strand). Cytogenetic location: Xp11.23.
Variant type: single nucleotide variant.
Coding change: c.256C>T on transcript NM_001029896.2 (MANE Select); coding-DNA position 256, C replaced by T.
Protein change: p.Arg86Trp; replaces arginine 86 with tryptophan.
Molecular consequence: missense variant.
Genome position (GRCh38, 1-based): chrX:49,076,730, G>A on the plus strand (C>T on the coding strand, the complement: WDR45 is on the minus strand). VCF-style: chrX-49076730-G-A. GRCh37 (hg19) VCF-style: chrX-48934389-G-A.
Other names: c.259C>T (NM_007075.3); c.259C>T, p.Arg87Trp (NM_007075.4); short protein forms R86W, R87W.
Identifiers: ClinVar variation 2062046 (VCV002062046.5), dbSNP rs139837168, ClinGen allele CA10408575.

ClinVar aggregate classification (germline): Conflicting classifications of pathogenicity. Review status: criteria provided, conflicting classifications (1 of 4 stars). 2 submissions from 2 submitters: Uncertain significance (1); Likely benign (1). Last evaluated 2025-08-13.

Conditions:
Neurodegeneration with brain iron accumulation 5 (NBIA5). Also called: STATIC ENCEPHALOPATHY OF CHILDHOOD WITH NEURODEGENERATION IN ADULTHOOD; Beta-propeller protein-associated neurodegeneration. Identifiers: Orphanet 329284, MedGen C3550973, MONDO:0010476, OMIM 300894.
Inborn genetic diseases. Identifiers: MedGen C0950123, MeSH D030342.

Allele frequency attached by ClinVar (database versions not stated): gnomAD 0.00001; TOPMed 0.00001; ExAC 0.00005; ESP Exome Variant Server 0.00019.

Submissions (2):

Ambry Genetics
Classification: Likely benign for Inborn genetic diseases. Last evaluated: 2025-08-13. Review status: criteria provided, single submitter. Criteria: Ambry Variant Classification Scheme 2023. Collection method: clinical testing. Allele origin: germline.

Labcorp Genetics (formerly Invitae), Labcorp
Classification: Uncertain significance for Neurodegeneration with brain iron accumulation 5. Last evaluated: 2024-04-17. Review status: criteria provided, single submitter. Criteria: Invitae Variant Classification Sherloc (09022015). Collection method: clinical testing. Allele origin: germline.
Comment: This sequence change replaces arginine, which is basic and polar, with tryptophan, which is neutral and slightly polar, at codon 87 of the WDR45 protein (p.Arg87Trp). The frequency data for this variant in the population databases is considered unreliable, as metrics indicate poor data quality at this position in the gnomAD database. This variant has not been reported in the literature in individuals affected with WDR45-related conditions. ClinVar contains an entry for this variant (Variation ID: 2062046). Advanced modeling of protein sequence and biophysical properties (such as structural, functional, and spatial information, amino acid conservation, physicochemical variation, residue mobility, and thermodynamic stability) has been performed at Invitae for this missense variant, however the output from this modeling did not meet the statistical confidence thresholds required to predict the impact of this variant on WDR45 protein function. In summary, the available evidence is currently insufficient to determine the role of this variant in disease. Therefore, it has been classified as a Variant of Uncertain Significance.